The following is an entry in ClinVar:

ClinVar aggregate classification (germline): Likely pathogenic (1 of 4 stars; one submission).

Submission:

Labcorp Genetics (formerly Invitae), Labcorp
Classification: Likely pathogenic. Last evaluated: 2023-07-19. Review status: criteria provided, single submitter. Criteria: Invitae Variant Classification Sherloc (09022015). Collection method: clinical testing. Allele origin: germline.
Comment: In summary, the currently available evidence indicates that the variant is pathogenic, but additional data are needed to prove that conclusively. Therefore, this variant has been classified as Likely Pathogenic. Algorithms developed to predict the effect of sequence changes on RNA splicing suggest that this variant may disrupt the consensus splice site. This variant has not been reported in the literature in individuals affected with KIF11-related conditions. This variant is not present in population databases (gnomAD no frequency). This sequence change affects an acceptor splice site in intron 18 of the KIF11 gene. It is expected to disrupt RNA splicing. Variants that disrupt the donor or acceptor splice site typically lead to a loss of protein function (PMID: 16199547), and loss-of-function variants in KIF11 are known to be pathogenic (PMID: 22284827, 24281367).

Literature cited by the submitters: PubMed 16199547; PubMed 22284827; PubMed 24281367.

NM_004523.4(KIF11):c.2548-1G>T

Gene: KIF11 (kinesin family member 11; plus strand). Cytogenetic location: 10q23.33.
Variant type: single nucleotide variant.
Coding change: c.2548-1G>T on transcript NM_004523.4 (MANE Select); the canonical splice acceptor site of the intron before coding-DNA position 2548, G replaced by T.
Molecular consequence: splice acceptor variant.
Genome position (GRCh38, 1-based): chr10:92,648,211, G>T. VCF-style: chr10-92648211-G-T. GRCh37 (hg19) VCF-style: chr10-94407968-G-T.
Identifiers: ClinVar variation 2745425 (VCV002745425.3), dbSNP rs1554863016, ClinGen allele CA377805287.
Genomic context (GRCh38, chr10:92,648,211, plus strand): 5'-GTTGAATAAAACACTGGCAACTTTAATTTTAGTAATAAATATTTATTTGCATCATTTACA[G>T]GTTGTAAGCCAATGTTGTGAGGCTTCAAGTTCAGACATCACTGAGAAATCAGATGGACGT-3'